The following is an entry in ClinVar:

NM_000372.5(TYR):c.338_339del (p.Thr113fs)

Gene: TYR (tyrosinase; plus strand). Cytogenetic location: 11q14.3.
Variant type: Microsatellite.
Coding change: c.338_339del on transcript NM_000372.5 (MANE Select); coding-DNA positions 338 to 339, 2 bases deleted (CA; older notation c.338_339delCA).
Protein change: p.Thr113fs; shifts the reading frame from threonine 113.
Molecular consequence: frameshift variant.
Genome position (GRCh38, 1-based): chr11:89,178,291-89,178,292, CA deleted; deleting any 2 consecutive bases within chr11:89,178,289-89,178,292 gives the same sequence; the c. name uses the placement nearest the transcript's 3' end. VCF-style (leftmost placement, unchanged base first): chr11-89178288-GCA-G. GRCh37 (hg19) VCF-style: chr11-88911456-GCA-G.
Other names: c.338_339delCA (NM_000372.5); short protein forms T113fs.
Identifiers: ClinVar variation 99563 (VCV000099563.23), dbSNP rs61753254, ClinGen allele CA227560.

ClinVar aggregate classification (germline): Pathogenic/Likely pathogenic. Review status: criteria provided, multiple submitters, no conflicts (2 of 4 stars). 8 submissions from 8 submitters: Pathogenic (6); Likely pathogenic (1). 1 of the submissions does not count toward it. Last evaluated 2025-12-13.

Conditions:
Oculocutaneous albinism type 1A (OCA1A). Also called: Albinism, oculocutaneous, type IA. Identifiers: Orphanet 352731, Orphanet 79431, MedGen C4551504, MONDO:0008745, OMIM 203100. Disease mechanism: loss of function.
Oculocutaneous albinism type 1B (OCA1B). Also called: YELLOW ALBINISM; ALBINISM, OCULOCUTANEOUS, TYPE IB; ALBINISM, YELLOW MUTANT TYPE. Identifiers: Orphanet 352731, Orphanet 352737, Orphanet 79434, MedGen C1847024, MONDO:0011749, OMIM 606952.
SKIN/HAIR/EYE PIGMENTATION 3, LIGHT/DARK SKIN (SHEP3). Also called: EYE COLOR 1; EYE COLOR, GREEN/BLUE; SKIN/HAIR/EYE PIGMENTATION 3, BLUE/GREEN EYE COLOR; SKIN/HAIR/EYE PIGMENTATION 3, FRECKLING; SKIN/HAIR/EYE PIGMENTATION, VARIATION IN, 3. Identifiers: MedGen C2677190, OMIM 601800.
TYR-related disorder. Also called: TYR-related condition.
Oculocutaneous albinism. Identifiers: Orphanet 55, MedGen C0078918, MONDO:0018910.

Submissions (8):

Labcorp Genetics (formerly Invitae), Labcorp
Classification: Pathogenic. Last evaluated: 2025-12-13. Review status: criteria provided, single submitter. Criteria: Invitae Variant Classification Sherloc (09022015). Collection method: clinical testing. Allele origin: germline.
Comment: This sequence change creates a premature translational stop signal (p.Thr113Argfs*55) in the TYR gene. It is expected to result in an absent or disrupted protein product. Loss-of-function variants in TYR are known to be pathogenic (PMID: 23504663). This variant is present in population databases (rs61753254, gnomAD 0.002%). This premature translational stop signal has been observed in individual(s) with ocular albinism (PMID: 10987646). For these reasons, this variant has been classified as Pathogenic.

CeGaT Center for Human Genetics Tuebingen
Classification: Pathogenic. Last evaluated: 2025-06-01. Review status: criteria provided, single submitter. Criteria: CeGaT Center For Human Genetics Tuebingen Variant Classification Criteria Version 2. Collection method: clinical testing. Allele origin: germline. Affected: yes. Observed: 1 variant allele.
Comment: TYR: PVS1, PM2, PM3

Women's Health and Genetics/Laboratory Corporation of America, LabCorp
Classification: Pathogenic for Oculocutaneous albinism. Last evaluated: 2024-10-14. Review status: criteria provided, single submitter. Criteria: LabCorp Variant Classification Summary - May 2015. Collection method: clinical testing. Allele origin: germline.
Comment: Variant summary: TYR c.338_339delCA (p.Thr113ArgfsX55) results in a premature termination codon, predicted to cause absence of the protein due to nonsense mediated decay, which is a commonly known mechanism for disease. The variant allele was found at a frequency of 8e-06 in 251356 control chromosomes (gnomAD). c.338_339delCA has been reported in the literature in individuals affected with Oculocutaneous Albinism (e.g. Passmore_1999). The following publication has been ascertained in the context of this evaluation (PMID: 10987646). ClinVar contains an entry for this variant (Variation ID: 99563). Based on the evidence outlined above, the variant was classified as pathogenic.

Fulgent Genetics
Classification: Pathogenic for Oculocutaneous albinism type 1A; SKIN/HAIR/EYE PIGMENTATION 3, LIGHT/DARK SKIN; Oculocutaneous albinism type 1B. Last evaluated: 2024-04-06. Review status: criteria provided, single submitter. Criteria: ACMG Guidelines, 2015. Collection method: clinical testing. Allele origin: germline.

Genome-Nilou Lab
Classification: Pathogenic for Oculocutaneous albinism type 1A. Last evaluated: 2021-07-22. Review status: criteria provided, single submitter. Criteria: ACMG Guidelines, 2015. Collection method: clinical testing. Allele origin: germline. Affected: no.

Blueprint Genetics
Classification: Likely pathogenic for TYR-related disorders. Last evaluated: 2020-09-12. Review status: criteria provided, single submitter. Criteria: ACMG Guidelines, 2015. Collection method: clinical testing. Allele origin: germline. Affected: yes. Observed: 2 variant alleles.

Eurofins Ntd Llc (ga)
Classification: Pathogenic. Last evaluated: 2017-01-16. Review status: criteria provided, single submitter. Criteria: EGL Classification Definitions 2015. Collection method: clinical testing. Allele origin: germline. Observed: 2 variant alleles, 2 heterozygotes.

Retina International
No classification provided. Review status: no classification provided. Collection method: not provided. Allele origin: not provided. Not counted in ClinVar's aggregate classification.

Literature cited by the submitters: PubMed 23504663 (cited by Labcorp Genetics (formerly Invitae), Labcorp); PubMed 10987646 (cited by 3 submitters).